The following is an entry in ClinVar:

ClinVar aggregate classification (germline): Uncertain significance (1 of 4 stars; one submission).

Conditions:
PLXNA2-related disorder. Also called: PLXNA2-related condition.

Submission:

PreventionGenetics, part of Exact Sciences
Classification: Uncertain significance for PLXNA2-related condition. Last evaluated: 2025-03-03. Review status: criteria provided, single submitter. Criteria: ACMG Guidelines, 2015. Collection method: clinical testing. Allele origin: germline.
Comment: The PLXNA2 c.2014T>C variant is predicted to result in the amino acid substitution p.Cys672Arg. To our knowledge, this variant has not been reported in the literature or in a large population database, indicating it is rare. At this time, the clinical significance of this variant is uncertain due to the absence of conclusive functional and genetic evidence.

NM_025179.4(PLXNA2):c.2014T>C (p.Cys672Arg)

Gene: PLXNA2 (plexin A2; minus strand). Cytogenetic location: 1q32.2.
Variant type: single nucleotide variant.
Coding change: c.2014T>C on transcript NM_025179.4 (MANE Select); coding-DNA position 2014, T replaced by C.
Protein change: p.Cys672Arg; replaces cysteine 672 with arginine.
Molecular consequence: missense variant.
Genome position (GRCh38, 1-based): chr1:208,092,869, A>G on the plus strand (T>C on the coding strand, the complement: PLXNA2 is on the minus strand). VCF-style: chr1-208092869-A-G. GRCh37 (hg19) VCF-style: chr1-208266214-A-G.
Other names: short protein forms C672R.
Identifiers: ClinVar variation 3346487 (VCV003346487.2).